The following is an entry in ClinVar:

NM_006384.4(CIB1):c.119A>C (p.Gln40Pro)

Gene: CIB1 (calcium and integrin binding 1; minus strand). Cytogenetic location: 15q26.1.
Variant type: single nucleotide variant.
Coding change: c.119A>C on transcript NM_006384.4 (MANE Select); coding-DNA position 119, A replaced by C.
Protein change: p.Gln40Pro; replaces glutamine 40 with proline.
Molecular consequence: missense variant. On other transcripts: non-coding transcript variant (2).
Genome position (GRCh38, 1-based): chr15:90,232,295, T>G on the plus strand (A>C on the coding strand, the complement: CIB1 is on the minus strand). VCF-style: chr15-90232295-T-G. GRCh37 (hg19) VCF-style: chr15-90775527-T-G.
Other names: c.239A>C (NM_001277764.1); c.239A>C, p.Gln80Pro (NM_001277764.2); short protein forms Q40P, Q80P.
Identifiers: ClinVar variation 1164677 (VCV001164677.11), dbSNP rs144124621, ClinGen allele CA7734313.

ClinVar aggregate classification (germline): Benign. Review status: criteria provided, single submitter (1 of 4 stars). 2 submissions from 2 submitters: Benign (1). 1 of the submissions does not count toward it. Last evaluated 2026-02-02.

Conditions:
CIB1-related disorder. Also called: CIB1-related condition.

Allele frequency attached by ClinVar (database versions not stated): gnomAD 0.00023 and 0.00038; gnomAD exomes 0.00029 and 0.00087; TOPMed 0.00048; ExAC 0.00085; 1000 Genomes Project 30x 0.00156; 1000 Genomes Project 0.00200.
gnomAD v4.1: 487 of 1,611,478 alleles (0.03%); highest among the groups gnomAD compares: East Asian, 0.97%; 3 homozygotes.

Submissions (2):

Labcorp Genetics (formerly Invitae), Labcorp
Classification: Benign. Last evaluated: 2026-02-02. Review status: criteria provided, single submitter. Criteria: Invitae Variant Classification Sherloc (09022015). Collection method: clinical testing. Allele origin: germline.

PreventionGenetics, part of Exact Sciences
Classification: Benign for CIB1-related condition. Last evaluated: 2019-08-09. Review status: no assertion criteria provided. Collection method: clinical testing. Allele origin: germline. Not counted in ClinVar's aggregate classification.
Comment: This variant is classified as benign based on ACMG/AMP sequence variant interpretation guidelines (Richards et al. 2015 PMID: 25741868, with internal and published modifications).